The following is an entry in ClinVar:

NM_004035.7(ACOX1):c.1351A>G (p.Met451Val)

Gene: ACOX1 (acyl-CoA oxidase 1; minus strand). Cytogenetic location: 17q25.1.
Variant type: single nucleotide variant.
Coding change: c.1351A>G on transcript NM_004035.7 (MANE Select); coding-DNA position 1351, A replaced by G.
Protein change: p.Met451Val; replaces methionine 451 with valine.
Molecular consequence: missense variant.
Genome position (GRCh38, 1-based): chr17:75,949,845, T>C on the plus strand (A>G on the coding strand, the complement: ACOX1 is on the minus strand). VCF-style: chr17-75949845-T-C. GRCh37 (hg19) VCF-style: chr17-73945926-T-C.
Other names: c.1237A>G, p.Met413Val (NM_001185039.2); c.1351A>G, p.Met451Val (NM_007292.6); short protein forms M451V, M413V.
Identifiers: ClinVar variation 3721959 (VCV003721959.2).

ClinVar aggregate classification (germline): Uncertain significance (1 of 4 stars; one submission).

Conditions:
Acyl-CoA oxidase deficiency. Also called: Peroxisomal acyl-CoA oxidase deficiency; STRAIGHT-CHAIN ACYL-CoA OXIDASE DEFICIENCY; Pseudoneonatal adrenoleukodystrophy. Identifiers: Orphanet 2971, MedGen C1849678, MONDO:0009919, OMIM 264470. Disease mechanism: loss of function.

Submission:

Labcorp Genetics (formerly Invitae), Labcorp
Classification: Uncertain significance for Acyl-CoA oxidase deficiency. Last evaluated: 2024-10-02. Review status: criteria provided, single submitter. Criteria: Invitae Variant Classification Sherloc (09022015). Collection method: clinical testing. Allele origin: germline.
Comment: This sequence change replaces methionine, which is neutral and non-polar, with valine, which is neutral and non-polar, at codon 451 of the ACOX1 protein (p.Met451Val). This variant is not present in population databases (gnomAD no frequency). This variant has not been reported in the literature in individuals affected with ACOX1-related conditions. Invitae Evidence Modeling of protein sequence and biophysical properties (such as structural, functional, and spatial information, amino acid conservation, physicochemical variation, residue mobility, and thermodynamic stability) indicates that this missense variant is not expected to disrupt ACOX1 protein function with a negative predictive value of 80%. In summary, the available evidence is currently insufficient to determine the role of this variant in disease. Therefore, it has been classified as a Variant of Uncertain Significance.